The following is an entry in ClinVar:

ClinVar aggregate classification (germline): Uncertain significance (1 of 4 stars; one submission).

Allele frequency attached by ClinVar (database versions not stated): gnomAD exomes 0.00001; ExAC 0.00002.
gnomAD v4.1: 4 of 1,613,988 alleles (0.00025%); highest among the groups gnomAD compares: South Asian, 0.0033%; no homozygotes.

Submission:

Labcorp Genetics (formerly Invitae), Labcorp
Classification: Uncertain significance. Last evaluated: 2024-02-17. Review status: criteria provided, single submitter. Criteria: Invitae Variant Classification Sherloc (09022015). Collection method: clinical testing. Allele origin: germline.
Comment: This sequence change replaces threonine, which is neutral and polar, with alanine, which is neutral and non-polar, at codon 378 of the REL protein (p.Thr378Ala). This variant is present in population databases (rs771133721, gnomAD 0.006%). This variant has not been reported in the literature in individuals affected with REL-related conditions. ClinVar contains an entry for this variant (Variation ID: 2119695). Algorithms developed to predict the effect of missense changes on protein structure and function output the following: SIFT: "Not Available"; PolyPhen-2: "Benign"; Align-GVGD: "Not Available". The alanine amino acid residue is found in multiple mammalian species, which suggests that this missense change does not adversely affect protein function. In summary, the available evidence is currently insufficient to determine the role of this variant in disease. Therefore, it has been classified as a Variant of Uncertain Significance.

NM_001291746.2(REL):c.1036A>G (p.Thr346Ala)

Gene: REL (REL proto-oncogene, NF-kB subunit; plus strand). Cytogenetic location: 2p16.1.
Variant type: single nucleotide variant.
Coding change: c.1036A>G on transcript NM_001291746.2 (MANE Select); coding-DNA position 1036, A replaced by G.
Protein change: p.Thr346Ala; replaces threonine 346 with alanine.
Molecular consequence: missense variant.
Genome position (GRCh38, 1-based): chr2:60,921,807, A>G. VCF-style: chr2-60921807-A-G. GRCh37 (hg19) VCF-style: chr2-61148942-A-G.
Other names: c.1132A>G, p.Thr378Ala (NM_002908.4); short protein forms T346A, T378A.
Identifiers: ClinVar variation 2119695 (VCV002119695.3), dbSNP rs771133721, ClinGen allele CA1672416.